The following is an entry in ClinVar:

ClinVar aggregate classification (germline): Uncertain significance. Review status: criteria provided, multiple submitters, no conflicts (2 of 4 stars). 2 submissions from 2 submitters: Uncertain significance (2). Last evaluated 2024-02-07.

Conditions:
Bethlem myopathy 1A. Also called: Bethlem myopathy 1; MYOPATHY, BENIGN CONGENITAL, WITH CONTRACTURES; Bethlem Muscular Dystrophy. Identifiers: Orphanet 610, MedGen CN029274, MONDO:0024530, OMIM 158810.

Allele frequency attached by ClinVar (database versions not stated): gnomAD exomes below 0.00001; gnomAD 0.00001; TOPMed 0.00001.

Submissions (2):

Labcorp Genetics (formerly Invitae), Labcorp
Classification: Uncertain significance for Bethlem myopathy 1A. Last evaluated: 2024-02-07. Review status: criteria provided, single submitter. Criteria: Invitae Variant Classification Sherloc (09022015). Collection method: clinical testing. Allele origin: germline.
Comment: This sequence change replaces asparagine, which is neutral and polar, with serine, which is neutral and polar, at codon 770 of the COL6A1 protein (p.Asn770Ser). This variant is not present in population databases (gnomAD no frequency). This variant has not been reported in the literature in individuals affected with COL6A1-related conditions. ClinVar contains an entry for this variant (Variation ID: 284888). Advanced modeling of protein sequence and biophysical properties (such as structural, functional, and spatial information, amino acid conservation, physicochemical variation, residue mobility, and thermodynamic stability) performed at Invitae indicates that this missense variant is not expected to disrupt COL6A1 protein function with a negative predictive value of 95%. In summary, the available evidence is currently insufficient to determine the role of this variant in disease. Therefore, it has been classified as a Variant of Uncertain Significance.

Eurofins Ntd Llc (ga)
Classification: Uncertain significance. Last evaluated: 2015-12-04. Review status: criteria provided, single submitter. Criteria: EGL Classification Definitions 2015. Collection method: clinical testing. Allele origin: germline. Observed: 2 variant alleles, 2 heterozygotes.

NM_001848.3(COL6A1):c.2309A>G (p.Asn770Ser)

Gene: COL6A1 (collagen type VI alpha 1 chain; plus strand). Cytogenetic location: 21q22.3.
Variant type: single nucleotide variant.
Coding change: c.2309A>G on transcript NM_001848.3 (MANE Select); coding-DNA position 2309, A replaced by G.
Protein change: p.Asn770Ser; replaces asparagine 770 with serine.
Molecular consequence: missense variant.
Genome position (GRCh38, 1-based): chr21:46,002,585, A>G. VCF-style: chr21-46002585-A-G. GRCh37 (hg19) VCF-style: chr21-47422499-A-G.
Other names: short protein forms N770S.
Identifiers: ClinVar variation 284888 (VCV000284888.7), dbSNP rs886042972, ClinGen allele CA10604940.
Genomic context (GRCh38, chr21:46,002,585, plus strand): 5'-AGGTGGTCTCCGTGGGCATCAAAGACGTGTTTGACTTCATCCCAGGCTCAGACCAGCTCA[A>G]TGTCATTTCTTGCCAAGGCCTGGCACCATCCCAGGGCCGGCCCGGCCTCTCGCTGGTCAA-3'
Protein context (NP_001839.2, residues 760-780): FDFIPGSDQL[Asn770Ser]VISCQGLAPS